The following is an entry in ClinVar:

ClinVar aggregate classification (germline): Uncertain significance (1 of 4 stars; one submission).

Conditions:
Muscular dystrophy-dystroglycanopathy (congenital with brain and eye anomalies), type a, 11 (MDDGA11). Also called: Muscular dystrophy-dystroglycanopathy (congenital with brain and eye anomalies, type A, 11; Congenital muscular dystrophy-dystroglycanopathy with brain and eye anomalies, type A11; WALKER-WARBURG SYNDROME OR MUSCLE-EYE-BRAIN DISEASE, B3GALNT2-RELATED. Identifiers: Orphanet 588, Orphanet 899, MedGen C3554638, MONDO:0014071, OMIM 615181.

Allele frequency attached by ClinVar (database versions not stated): gnomAD exomes below 0.00001.
gnomAD v4.1: 2 of 1,606,284 alleles (0.00012%); highest among the groups gnomAD compares: South Asian, 0.0023%; no homozygotes.

Submission:

Labcorp Genetics (formerly Invitae), Labcorp
Classification: Uncertain significance for Muscular dystrophy-dystroglycanopathy (congenital with brain and eye anomalies), type a, 11. Last evaluated: 2024-02-24. Review status: criteria provided, single submitter. Criteria: Invitae Variant Classification Sherloc (09022015). Collection method: clinical testing. Allele origin: germline.
Comment: This sequence change affects codon 294 of the B3GALNT2 mRNA. It is a 'silent' change, meaning that it does not change the encoded amino acid sequence of the B3GALNT2 protein. This variant is not present in population databases (gnomAD no frequency). This variant has not been reported in the literature in individuals affected with B3GALNT2-related conditions. ClinVar contains an entry for this variant (Variation ID: 1467242). Algorithms developed to predict the effect of sequence changes on RNA splicing suggest that this variant may disrupt the consensus splice site. In summary, the available evidence is currently insufficient to determine the role of this variant in disease. Therefore, it has been classified as a Variant of Uncertain Significance.

NM_152490.5(B3GALNT2):c.882A>G (p.Gln294=)

Gene: B3GALNT2 (beta-1,3-N-acetylgalactosaminyltransferase 2; minus strand). Cytogenetic location: 1q42.3.
Variant type: single nucleotide variant.
Coding change: c.882A>G on transcript NM_152490.5 (MANE Select); coding-DNA position 882, A replaced by G.
Protein change: p.Gln294=; no amino-acid change (glutamine 294 retained).
Molecular consequence: synonymous variant.
Genome position (GRCh38, 1-based): chr1:235,458,746, T>C on the plus strand (A>G on the coding strand, the complement: B3GALNT2 is on the minus strand). VCF-style: chr1-235458746-T-C. GRCh37 (hg19) VCF-style: chr1-235622054-T-C.
Identifiers: ClinVar variation 1467242 (VCV001467242.8), dbSNP rs2102790078, ClinGen allele CA423774549.